The following is an entry in ClinVar:

NM_000426.4(LAMA2):c.4312-2A>G

Gene: LAMA2 (laminin subunit alpha 2; plus strand). Cytogenetic location: 6q22.33.
Variant type: single nucleotide variant.
Coding change: c.4312-2A>G on transcript NM_000426.4 (MANE Select); the canonical splice acceptor site of the intron before coding-DNA position 4312, A replaced by G.
Molecular consequence: splice acceptor variant.
Genome position (GRCh38, 1-based): chr6:129,342,341, A>G. VCF-style: chr6-129342341-A-G. GRCh37 (hg19) VCF-style: chr6-129663486-A-G.
Other names: c.4312-2A>G (NM_001079823.2).
Identifiers: ClinVar variation 1075606 (VCV001075606.9), dbSNP rs2114568240, ClinGen allele CA365615051.

ClinVar aggregate classification (germline): Pathogenic (1 of 4 stars; one submission).

Conditions:
LAMA2-related muscular dystrophy (LAMA2-RD). Also called: Laminin alpha 2-related dystrophy. Identifiers: MedGen C5679788, MONDO:0100228.

Submission:

Labcorp Genetics (formerly Invitae), Labcorp
Classification: Pathogenic for LAMA2-related muscular dystrophy. Last evaluated: 2023-11-20. Review status: criteria provided, single submitter. Criteria: Invitae Variant Classification Sherloc (09022015). Collection method: clinical testing. Allele origin: germline.
Comment: This sequence change affects an acceptor splice site in intron 29 of the LAMA2 gene. It is expected to disrupt RNA splicing. Variants that disrupt the donor or acceptor splice site typically lead to a loss of protein function (PMID: 16199547), and loss-of-function variants in LAMA2 are known to be pathogenic (PMID: 18700894, 32904964). This variant is not present in population databases (gnomAD no frequency). Disruption of this splice site has been observed in individual(s) with partial laminin alpha-2 deficiency (PMID: 9829280). It has also been observed to segregate with disease in related individuals. ClinVar contains an entry for this variant (Variation ID: 1075606). Algorithms developed to predict the effect of sequence changes on RNA splicing suggest that this variant may disrupt the consensus splice site. For these reasons, this variant has been classified as Pathogenic.

Literature cited by the submitters: PubMed 16199547; PubMed 18700894; PubMed 32904964; PubMed 9829280.